The following is an entry in ClinVar:

ClinVar aggregate classification (germline): Likely benign. Review status: criteria provided, multiple submitters, no conflicts (2 of 4 stars). 3 submissions from 3 submitters: Likely benign (2). 1 of the submissions does not count toward it. Last evaluated 2018-12-28.

Conditions:
PLXNA3-related disorder. Also called: PLXNA3-related condition.

Allele frequency attached by ClinVar (database versions not stated): ESP Exome Variant Server 0.00019; TOPMed 0.00020; ExAC 0.00025; gnomAD 0.00026 and 0.00028; gnomAD exomes 0.00033 and 0.00037.
gnomAD v4.1: 388 of 1,209,056 alleles (0.032%); highest among the groups gnomAD compares: Middle Eastern, 0.16%; 2 homozygotes.

Submissions (3):

Labcorp Genetics (formerly Invitae), Labcorp
Classification: Likely benign. Last evaluated: 2018-12-28. Review status: criteria provided, single submitter. Criteria: Invitae Variant Classification Sherloc (09022015). Collection method: clinical testing. Allele origin: germline.

Breakthrough Genomics
Classification: Likely benign. Review status: criteria provided, single submitter. Criteria: ACMG Guidelines, 2015. Collection method: not provided. Allele origin: germline. Inheritance: Unknown mechanism. Affected: yes.

PreventionGenetics, part of Exact Sciences
Classification: Likely benign for PLXNA3-related condition. Last evaluated: 2023-03-08. Review status: no assertion criteria provided. Collection method: clinical testing. Allele origin: germline. Not counted in ClinVar's aggregate classification.
Comment: This variant is classified as likely benign based on ACMG/AMP sequence variant interpretation guidelines (Richards et al. 2015 PMID: 25741868, with internal and published modifications).

NM_017514.5(PLXNA3):c.138C>T (p.Phe46=)

Gene: PLXNA3 (plexin A3; plus strand). Cytogenetic location: Xq28.
Variant type: single nucleotide variant.
Coding change: c.138C>T on transcript NM_017514.5 (MANE Select); coding-DNA position 138, C replaced by T.
Protein change: p.Phe46=; no amino-acid change (phenylalanine 46 retained).
Molecular consequence: synonymous variant.
Genome position (GRCh38, 1-based): chrX:154,460,321, C>T. VCF-style: chrX-154460321-C-T. GRCh37 (hg19) VCF-style: chrX-153688661-C-T.
Identifiers: ClinVar variation 749131 (VCV000749131.6), dbSNP rs147816954, ClinGen allele CA10563605.